The following is an entry in ClinVar:

ClinVar aggregate classification (germline): Uncertain significance (1 of 4 stars; one submission).

Conditions:
Cardiovascular phenotype. Identifiers: MedGen CN230736.

gnomAD v4.1: 8 of 1,614,032 alleles (0.0005%); highest among the groups gnomAD compares: Non-Finnish European, 0.00068%; no homozygotes.

Submission:

Ambry Genetics
Classification: Uncertain significance for Cardiovascular phenotype. Last evaluated: 2025-05-06. Review status: criteria provided, single submitter. Criteria: Ambry Variant Classification Scheme 2023. Collection method: clinical testing. Allele origin: germline.
Comment: The p.G2927R variant (also known as c.8779G>C), located in coding exon 26 of the APOB gene, results from a G to C substitution at nucleotide position 8779. The glycine at codon 2927 is replaced by arginine, an amino acid with dissimilar properties. This amino acid position is conserved. In addition, this alteration is predicted to be tolerated by in silico analysis. Based on the available evidence, the clinical significance of this variant remains unclear.

NM_000384.3(APOB):c.8779G>C (p.Gly2927Arg)

Gene: APOB (apolipoprotein B; minus strand). Cytogenetic location: 2p24.1.
Variant type: single nucleotide variant.
Coding change: c.8779G>C on transcript NM_000384.3 (MANE Select); coding-DNA position 8779, G replaced by C.
Protein change: p.Gly2927Arg; replaces glycine 2927 with arginine.
Molecular consequence: missense variant.
Genome position (GRCh38, 1-based): chr2:21,008,089, C>G on the plus strand (G>C on the coding strand, the complement: APOB is on the minus strand). VCF-style: chr2-21008089-C-G. GRCh37 (hg19) VCF-style: chr2-21230961-C-G.
Other names: short protein forms G2927R.
Identifiers: ClinVar variation 2276548 (VCV002276548.3), dbSNP rs1270024096, ClinGen allele CA345993387.